The following is an entry in ClinVar:

NM_000268.4(NF2):c.773G>A (p.Trp258Ter)

Gene: NF2 (NF2, moesin-ezrin-radixin like (MERLIN) tumor suppressor; plus strand). Cytogenetic location: 22q12.2.
Variant type: single nucleotide variant.
Coding change: c.773G>A on transcript NM_000268.4 (MANE Select); coding-DNA position 773, G replaced by A.
Protein change: p.Trp258Ter; replaces tryptophan 258 with a stop codon.
Molecular consequence: nonsense. On other transcripts: non-coding transcript variant (1), intron variant (4).
Genome position (GRCh38, 1-based): chr22:29,661,302, G>A. VCF-style: chr22-29661302-G-A. GRCh37 (hg19) VCF-style: chr22-30057291-G-A.
Other names: c.659G>A, p.Trp220Ter (NM_001407053.1, NM_001407056.1); c.650G>A, p.Trp217Ter (NM_001407054.1, NM_001407058.1, NM_181829.3); c.647G>A, p.Trp216Ter (NM_001407055.1, NM_181828.3); c.773G>A, p.Trp258Ter (NM_001407060.1, NM_001407066.1, NM_016418.5 and 2 more transcripts); c.524G>A, p.Trp175Ter (NM_001407063.1, NM_001407064.1, NM_181830.3 and 1 more transcripts); c.239G>A, p.Trp80Ter (NM_001407065.1); c.542G>A, p.Trp181Ter (NM_001407067.1); c.675+3038G>A (NM_001407059.1, NM_001407057.1); and 2 more; short protein forms W217*, W220*, W175*, W181*, W216*, W80*, W258*.
Identifiers: ClinVar variation 3723947 (VCV003723947.2).

ClinVar aggregate classification (germline): Pathogenic (1 of 4 stars; one submission).

Conditions:
Neurofibromatosis, type 2 (SWNV). Also called: BILATERAL ACOUSTIC NEUROFIBROMATOSIS; NF2-Related Schwannomatosis; SCHWANNOMATOSIS, VESTIBULAR. Identifiers: Orphanet 637, MedGen C0027832, MONDO:0007039, OMIM 101000. Disease mechanism: loss of function.

Submission:

Labcorp Genetics (formerly Invitae), Labcorp
Classification: Pathogenic for Neurofibromatosis, type 2. Last evaluated: 2024-12-22. Review status: criteria provided, single submitter. Criteria: Invitae Variant Classification Sherloc (09022015). Collection method: clinical testing. Allele origin: germline.
Comment: This sequence change creates a premature translational stop signal (p.Trp258*) in the NF2 gene. It is expected to result in an absent or disrupted protein product. Loss-of-function variants in NF2 are known to be pathogenic (PMID: 9643284, 16983642). This variant is not present in population databases (gnomAD no frequency). This premature translational stop signal has been observed in individual(s) with neurofibromatosis type 2 (PMID: 15684865). For these reasons, this variant has been classified as Pathogenic.

Literature cited by the submitters: PubMed 9643284; PubMed 16983642; PubMed 15684865.